The following is an entry in ClinVar:

ClinVar aggregate classification (germline): Uncertain significance (1 of 4 stars; one submission).

Conditions:
Hereditary cancer-predisposing syndrome. Also called: Neoplastic Syndromes, Hereditary; Tumor predisposition; Hereditary neoplastic syndrome; Hereditary Cancer Syndrome. Identifiers: Orphanet 140162, MedGen C0027672, MeSH D009386, MONDO:0015356.

Submission:

Ambry Genetics
Classification: Uncertain significance for Hereditary cancer-predisposing syndrome. Last evaluated: 2026-07-07. Review status: criteria provided, single submitter. Criteria: Ambry Variant Classification Scheme 2023. Collection method: clinical testing. Allele origin: germline.
Comment: The p.L321R variant (also known as c.962T>G), located in coding exon 8 of the BMPR1A gene, results from a T to G substitution at nucleotide position 962. The leucine at codon 321 is replaced by arginine, an amino acid with dissimilar properties. This amino acid position is conserved. In addition, this alteration is predicted to be deleterious by in silico analysis. Based on the available evidence, the clinical significance of this variant remains unclear.

NM_004329.3(BMPR1A):c.962T>G (p.Leu321Arg)

Gene: BMPR1A (bone morphogenetic protein receptor type 1A; plus strand). Cytogenetic location: 10q23.2.
Variant type: single nucleotide variant.
Coding change: c.962T>G on transcript NM_004329.3 (MANE Select); coding-DNA position 962, T replaced by G.
Protein change: p.Leu321Arg; replaces leucine 321 with arginine.
Molecular consequence: missense variant. On other transcripts: non-coding transcript variant (3).
Genome position (GRCh38, 1-based): chr10:86,919,265, T>G. VCF-style: chr10-86919265-T-G. GRCh37 (hg19) VCF-style: chr10-88679022-T-G.
Other names: c.962T>G, p.Leu321Arg (NM_001406572.1, NM_001406573.1, NM_001406574.1 and 19 more transcripts); c.1037T>G, p.Leu346Arg (NM_001406559.1); c.1010T>G, p.Leu337Arg (NM_001406560.1); c.956T>G, p.Leu319Arg (NM_001406583.1); c.878T>G, p.Leu293Arg (NM_001406584.1, NM_001406585.1, NM_001406586.1 and 2 more transcripts); c.620T>G, p.Leu207Arg (NM_001406589.1); short protein forms L321R, L293R, L319R, L337R, L207R, L346R.
Identifiers: ClinVar variation 5033019 (VCV005033019.1).